The following is an entry in ClinVar:

NM_006734.4(HIVEP2):c.6752C>A (p.Pro2251His)

Gene: HIVEP2 (HIVEP zinc finger 2; minus strand). Cytogenetic location: 6q24.2.
Variant type: single nucleotide variant.
Coding change: c.6752C>A on transcript NM_006734.4 (MANE Select); coding-DNA position 6752, C replaced by A.
Protein change: p.Pro2251His; replaces proline 2251 with histidine.
Molecular consequence: missense variant.
Genome position (GRCh38, 1-based): chr6:142,753,696, G>T on the plus strand (C>A on the coding strand, the complement: HIVEP2 is on the minus strand). VCF-style: chr6-142753696-G-T. GRCh37 (hg19) VCF-style: chr6-143074833-G-T.
Other names: short protein forms P2251H.
Identifiers: ClinVar variation 1057335 (VCV001057335.9), dbSNP rs2114584860, ClinGen allele CA365941805.
Genomic context (GRCh38, chr6:142,753,696, plus strand): 5'-AAGGACTCCCCTGACGCGCCTTTCTTCTCCTCAAAGCCCTCCATTGGCAGGGGCAATGTG[G>T]GTGAAGGATGTAAACTGGAAAGGGCTGGCGGCATGGAGTGAACCATCTGGATCCCACCAA-3'
Protein context (NP_006725.3, residues 2241-2261): PPALSSLHPS[Pro2251His]TLPLPMEGFE

ClinVar aggregate classification (germline): Uncertain significance (1 of 4 stars; one submission).

Submission:

Labcorp Genetics (formerly Invitae), Labcorp
Classification: Uncertain significance. Last evaluated: 2020-08-17. Review status: criteria provided, single submitter. Criteria: Invitae Variant Classification Sherloc (09022015). Collection method: clinical testing. Allele origin: germline.
Comment: In summary, the available evidence is currently insufficient to determine the role of this variant in disease. Therefore, it has been classified as a Variant of Uncertain Significance. Algorithms developed to predict the effect of missense changes on protein structure and function are either unavailable or do not agree on the potential impact of this missense change (SIFT: "Deleterious"; PolyPhen-2: "Possibly Damaging"; Align-GVGD: "Class C0"). This sequence change replaces proline with histidine at codon 2251 of the HIVEP2 protein (p.Pro2251His). The proline residue is moderately conserved and there is a moderate physicochemical difference between proline and histidine. This variant is not present in population databases (ExAC no frequency). This variant has been observed in individual(s) with clinical features of HIVEP2-related intellectual disability (Invitae).